The following is an entry in ClinVar:

NM_001048174.2(MUTYH):c.919A>T (p.Asn307Tyr)

Gene: MUTYH (mutY DNA glycosylase; minus strand). Cytogenetic location: 1p34.1.
Variant type: single nucleotide variant.
Coding change: c.919A>T on transcript NM_001048174.2 (MANE Select); coding-DNA position 919, A replaced by T.
Protein change: p.Asn307Tyr; replaces asparagine 307 with tyrosine.
Molecular consequence: missense variant. On other transcripts: non-coding transcript variant (7).
Genome position (GRCh38, 1-based): chr1:45,331,844, T>A on the plus strand (A>T on the coding strand, the complement: MUTYH is on the minus strand). VCF-style: chr1-45331844-T-A. GRCh37 (hg19) VCF-style: chr1-45797516-T-A.
Other names: c.919A>T, p.Asn307Tyr (NM_001407081.1, NM_001407088.1, NM_001407089.1 and 6 more transcripts); c.574A>T, p.Asn192Tyr (NM_001407082.1, NM_001350650.2, NM_001350651.2); c.961A>T, p.Asn321Tyr (NM_001407083.1, NM_001407085.1); c.922A>T, p.Asn308Tyr (NM_001407086.1, NM_001048172.2, NM_001407071.1 and 1 more transcripts); c.940A>T, p.Asn314Tyr (NM_001407087.1); c.643A>T, p.Asn215Tyr (NM_001407091.1, NM_001293192.2, NM_001293196.2); c.994A>T, p.Asn332Tyr (NM_012222.3); c.1003A>T, p.Asn335Tyr (NM_001128425.2); and 5 more; short protein forms N192Y, N215Y, N293Y, N294Y, N307Y, N332Y, N314Y, N322Y.
Identifiers: ClinVar variation 4112910 (VCV004112910.1).

ClinVar aggregate classification (germline): Uncertain significance (1 of 4 stars; one submission).

Conditions:
Hereditary cancer-predisposing syndrome. Also called: Tumor predisposition; Neoplastic Syndromes, Hereditary; Hereditary neoplastic syndrome; Hereditary Cancer Syndrome. Identifiers: Orphanet 140162, MedGen C0027672, MeSH D009386, MONDO:0015356.

Submission:

Ambry Genetics
Classification: Uncertain significance for Hereditary cancer-predisposing syndrome. Last evaluated: 2025-08-27. Review status: criteria provided, single submitter. Criteria: Ambry Variant Classification Scheme 2023. Collection method: clinical testing. Allele origin: germline.
Comment: The p.N335Y variant (also known as c.1003A>T), located in coding exon 12 of the MUTYH gene, results from an A to T substitution at nucleotide position 1003. The asparagine at codon 335 is replaced by tyrosine, an amino acid with dissimilar properties. This amino acid position is conserved. In addition, this alteration is predicted to be tolerated by in silico analysis. Based on the available evidence, the clinical significance of this variant remains unclear.